The following is an entry in ClinVar:

NM_000245.4(MET):c.762A>G (p.Glu254=)

Gene: MET (MET proto-oncogene, receptor tyrosine kinase; plus strand). Cytogenetic location: 7q31.2.
Variant type: single nucleotide variant.
Coding change: c.762A>G on transcript NM_000245.4 (MANE Select); coding-DNA position 762, A replaced by G.
Protein change: p.Glu254=; no amino-acid change (glutamic acid 254 retained).
Molecular consequence: synonymous variant. On other transcripts: intron variant (1).
Genome position (GRCh38, 1-based): chr7:116,699,846, A>G. VCF-style: chr7-116699846-A-G. GRCh37 (hg19) VCF-style: chr7-116339900-A-G.
Other names: c.762A>G, p.Glu254= (NM_001127500.3, NM_001324401.3); c.-91+27269A>G (NM_001324402.2).
Identifiers: ClinVar variation 1159877 (VCV001159877.12), dbSNP rs760278126, ClinGen allele CA4448025.

ClinVar aggregate classification (germline): Benign/Likely benign. Review status: criteria provided, multiple submitters, no conflicts (2 of 4 stars). 3 submissions from 3 submitters: Benign (1); Likely benign (2). Last evaluated 2025-06-02.

Conditions:
Hereditary cancer-predisposing syndrome. Also called: Tumor predisposition; Neoplastic Syndromes, Hereditary; Hereditary Cancer Syndrome; Hereditary neoplastic syndrome. Identifiers: Orphanet 140162, MedGen C0027672, MeSH D009386, MONDO:0015356.
Renal cell carcinoma. Identifiers: Orphanet 217071, MedGen C0007134, MeSH D002292, MONDO:0005086, HP:0005584.
Papillary renal cell carcinoma type 1 (RCCP1). Also called: Renal adenocarcinoma; Renal cell carcinoma 1; Renal cell carcinoma, somatic; RENAL CELL CARCINOMA, PAPILLARY, 1, SOMATIC. Identifiers: Orphanet 47044, MedGen C1336839, OMIM 605074, HP:0011797.

gnomAD v4.1: 3 of 1,614,124 alleles (0.00019%); highest among the groups gnomAD compares: Non-Finnish European, 0.00025%; no homozygotes.

Submissions (3):

Labcorp Genetics (formerly Invitae), Labcorp
Classification: Likely benign for Renal cell carcinoma. Last evaluated: 2025-06-02. Review status: criteria provided, single submitter. Criteria: Invitae Variant Classification Sherloc (09022015). Collection method: clinical testing. Allele origin: germline.

Myriad Genetics, Inc.
Classification: Benign for Papillary renal cell carcinoma type 1. Last evaluated: 2024-11-06. Review status: criteria provided, single submitter. Criteria: Myriad Autosomal Dominant, Autosomal Recessive and X-Linked Classification Criteria (2023). Collection method: clinical testing. Allele origin: unknown.
Comment: This variant is considered benign. This variant is a silent/synonymous amino acid change and it is not expected to impact splicing.

Ambry Genetics
Classification: Likely benign for Hereditary cancer-predisposing syndrome. Last evaluated: 2021-04-15. Review status: criteria provided, single submitter. Criteria: Ambry Variant Classification Scheme 2023. Collection method: clinical testing. Allele origin: germline.